The following is an entry in ClinVar:

NM_000518.5(HBB):c.85C>T (p.Leu29=)

Genes: HBB (hemoglobin subunit beta; minus strand), LOC106099062 (HBB recombination region; plus strand), LOC107133510 (origin of replication at HBB; plus strand). Cytogenetic location: 11p15.4.
Variant type: single nucleotide variant.
Coding change: c.85C>T on transcript NM_000518.5 (MANE Select); coding-DNA position 85, C replaced by T.
Protein change: p.Leu29=; no amino-acid change (leucine 29 retained).
Molecular consequence: synonymous variant.
Genome position (GRCh38, 1-based): chr11:5,226,937, G>A on the plus strand (C>T on the coding strand, the complement: HBB is on the minus strand). VCF-style: chr11-5226937-G-A. GRCh37 (hg19) VCF-style: chr11-5248167-G-A.
Identifiers: ClinVar variation 879840 (VCV000879840.13), dbSNP rs33958088, ClinGen allele CA217115132.

ClinVar aggregate classification (germline): Conflicting classifications of pathogenicity. Review status: criteria provided, conflicting classifications (1 of 4 stars). 6 submissions from 3 submitters: Uncertain significance (4); Likely benign (2). Last evaluated 2023-11-29.

Conditions:
Fetal hemoglobin quantitative trait locus 1 (HBFQTL1). Identifiers: Orphanet 251380, MedGen C1841621.
Hemoglobin E. Identifiers: MedGen C3889325.
Hb SS disease (SCD). Also called: Hemoglobin SS; Sickle cell anemia; Sickle cell disease; HbS disease; Hemoglobin S Disease; Sickling disorder due to hemoglobin S. Identifiers: Orphanet 232, Orphanet 275752, MedGen C0002895, MONDO:0011382, OMIM 603903.
beta Thalassemia (BTHAL). Also called: Cooley's anemia; Erythroblastic anemia; Mediterranean anemia. Identifiers: Orphanet 848, MedGen C0005283, MONDO:0019402. Disease mechanism: loss of function.

Allele frequency attached by ClinVar (database versions not stated): gnomAD exomes below 0.00001 and 0.00001; TOPMed 0.00002; gnomAD 0.00003 and 0.00004.

Submissions (6):

Labcorp Genetics (formerly Invitae), Labcorp
Classification: Likely benign. Last evaluated: 2023-11-29. Review status: criteria provided, single submitter. Criteria: Invitae Variant Classification Sherloc (09022015). Collection method: clinical testing. Allele origin: germline.

Women's Health and Genetics/Laboratory Corporation of America, LabCorp
Classification: Likely benign. Last evaluated: 2020-02-14. Review status: criteria provided, single submitter. Criteria: LabCorp Variant Classification Summary - May 2015. Collection method: clinical testing. Allele origin: germline.
Comment: Variant summary: HBB c.85C>T results in a synonymous change. Several computational tools predict a significant impact on normal splicing: Four predict the variant no significant impact on splicing. However, these predictions have yet to be confirmed by functional studies. The variant allele was found at a frequency of 4e-06 in 251340 control chromosomes. The available data on variant occurrences in the general population are insufficient to allow any conclusion about variant significance. To our knowledge, no occurrence of c.85C>T in individuals affected with Hemoglobinopathy and no experimental evidence demonstrating its impact on protein function have been reported. No clinical diagnostic laboratories have submitted clinical-significance assessments for this variant to ClinVar after 2014. Based on the evidence outlined above, the variant was classified as likely benign.

Illumina Laboratory Services, Illumina
Classification: Uncertain significance for Hereditary persistence of fetal hemoglobin. Last evaluated: 2017-04-27. Review status: criteria provided, single submitter. Criteria: ICSL Variant Classification Criteria 13 December 2019. Collection method: clinical testing. Allele origin: germline.

Illumina Laboratory Services, Illumina
Classification: Uncertain significance for Beta-thalassemia HBB/LCRB. Last evaluated: 2017-04-27. Review status: criteria provided, single submitter. Criteria: ICSL Variant Classification Criteria 13 December 2019. Collection method: clinical testing. Allele origin: germline.

Illumina Laboratory Services, Illumina
Classification: Uncertain significance for Hemoglobin E. Last evaluated: 2017-04-27. Review status: criteria provided, single submitter. Criteria: ICSL Variant Classification Criteria 13 December 2019. Collection method: clinical testing. Allele origin: germline.

Illumina Laboratory Services, Illumina
Classification: Uncertain significance for Hb SS disease. Last evaluated: 2017-04-27. Review status: criteria provided, single submitter. Criteria: ICSL Variant Classification Criteria 13 December 2019. Collection method: clinical testing. Allele origin: germline.